The following is an entry in ClinVar:

ClinVar aggregate classification (germline): Uncertain significance (0 of 4 stars; one submission).

Conditions:
SEMA3D-related disorder. Also called: SEMA3D-related condition.

Submission:

PreventionGenetics, part of Exact Sciences
Classification: Uncertain significance for SEMA3D-related condition. Last evaluated: 2024-03-12. Review status: no assertion criteria provided. Collection method: clinical testing. Allele origin: germline.
Comment: The SEMA3D c.783T>A variant is predicted to result in premature protein termination (p.Tyr261*). To our knowledge, this variant has not been reported in the literature or in a large population database, indicating this variant is rare. At this time, the clinical significance of this variant is uncertain due to the absence of conclusive functional and genetic evidence.

NM_001384900.1(SEMA3D):c.783T>A (p.Tyr261Ter)

Gene: SEMA3D (semaphorin 3D; minus strand). Cytogenetic location: 7q21.11.
Variant type: single nucleotide variant.
Coding change: c.783T>A on transcript NM_001384900.1 (MANE Select); coding-DNA position 783, T replaced by A.
Protein change: p.Tyr261Ter; replaces tyrosine 261 with a stop codon.
Molecular consequence: nonsense.
Genome position (GRCh38, 1-based): chr7:85,055,795, A>T on the plus strand (T>A on the coding strand, the complement: SEMA3D is on the minus strand). VCF-style: chr7-85055795-A-T. GRCh37 (hg19) VCF-style: chr7-84685111-A-T.
Other names: c.783T>A, p.Tyr261Ter (NM_001384901.1, NM_001384902.1, NM_001384903.1 and 1 more transcripts); short protein forms Y261*.
Identifiers: ClinVar variation 3349663 (VCV003349663.1).